The following is an entry in ClinVar:

NM_020297.4(ABCC9):c.2977_2978delinsAA (p.Leu993Lys)

Gene: ABCC9 (ATP binding cassette subfamily C member 9; minus strand). Cytogenetic location: 12p12.1.
Variant type: Indel.
Coding change: c.2977_2978delinsAA on transcript NM_020297.4 (MANE Select); coding-DNA positions 2977 to 2978, CT replaced by AA.
Protein change: p.Leu993Lys; replaces leucine 993 with lysine.
Molecular consequence: missense variant.
Genome position (GRCh38, 1-based): chr12:21,845,721-21,845,722, AG replaced by TT on the plus strand (CT replaced by AA on the coding strand, the reverse complement: ABCC9 is on the minus strand). VCF-style: chr12-21845721-AG-TT. GRCh37 (hg19) VCF-style: chr12-21998655-AG-TT.
Other names: c.2977_2978delinsAA, p.Leu993Lys (NM_001377273.1, NM_005691.4); c.2110_2111delinsAA, p.Leu704Lys (NM_001377274.1); c.2977_2978delCTinsAA (NM_005691.2); short protein forms L704K, L993K.
Identifiers: ClinVar variation 1045828 (VCV001045828.8), dbSNP rs1944626862, ClinGen allele CA2021315590.

ClinVar aggregate classification (germline): Uncertain significance. Review status: criteria provided, multiple submitters, no conflicts (2 of 4 stars). 2 submissions from 2 submitters: Uncertain significance (2). Last evaluated 2025-07-21.

Conditions:
Dilated cardiomyopathy 1O (CMD1O). Also called: CARDIOMYOPATHY, DILATED, WITH VENTRICULAR TACHYCARDIA. Identifiers: Orphanet 154, MedGen C1837839, MONDO:0012062, OMIM 608569.
Cardiovascular phenotype. Identifiers: MedGen CN230736.

Submissions (2):

Labcorp Genetics (formerly Invitae), Labcorp
Classification: Uncertain significance for Dilated cardiomyopathy 1O. Last evaluated: 2025-07-21. Review status: criteria provided, single submitter. Criteria: Invitae Variant Classification Sherloc (09022015). Collection method: clinical testing. Allele origin: germline.
Comment: This sequence change replaces leucine, which is neutral and non-polar, with lysine, which is basic and polar, at codon 993 of the ABCC9 protein (p.Leu993Lys). Information on the frequency of this variant in the gnomAD database is not available, as this variant may be reported differently in the database. This variant has not been reported in the literature in individuals affected with ABCC9-related conditions. ClinVar contains an entry for this variant (Variation ID: 1045828). An algorithm developed to predict the effect of missense changes on protein structure and function (PolyPhen-2) suggests that this variant is likely to be disruptive. In summary, the available evidence is currently insufficient to determine the role of this variant in disease. Therefore, it has been classified as a Variant of Uncertain Significance.

Ambry Genetics
Classification: Uncertain significance for Cardiovascular phenotype. Last evaluated: 2025-01-17. Review status: criteria provided, single submitter. Criteria: Ambry Variant Classification Scheme 2023. Collection method: clinical testing. Allele origin: germline.
Comment: The c.2977_2978delCTinsAA variant, located in coding exon 24 of the ABCC9 gene, results from an in-frame deletion of CT and insertion of AA at nucleotide positions 2977 to 2978. This results in the substitution of the leucine residue for a lysine residue at codon 993, an amino acid with dissimilar properties. This amino acid position is not well conserved in available vertebrate species. In addition, the in silico prediction for this alteration is inconclusive (Choi Y et al. PLoS ONE. 2012; 7(10):e46688). Based on the available evidence, the clinical significance of this variant remains unclear.